The following is an entry in ClinVar:

NM_014806.5(RUSC2):c.2539C>T (p.Arg847Trp)

Gene: RUSC2 (RUN and SH3 domain containing 2; plus strand). Cytogenetic location: 9p13.3.
Variant type: single nucleotide variant.
Coding change: c.2539C>T on transcript NM_014806.5 (MANE Select); coding-DNA position 2539, C replaced by T.
Protein change: p.Arg847Trp; replaces arginine 847 with tryptophan.
Molecular consequence: missense variant. On other transcripts: 5 prime UTR variant (1), non-coding transcript variant (1).
Genome position (GRCh38, 1-based): chr9:35,555,584, C>T. VCF-style: chr9-35555584-C-T. GRCh37 (hg19) VCF-style: chr9-35555581-C-T.
Other names: c.2539C>T, p.Arg847Trp (NM_001135999.2); c.-96C>T (NM_001330740.2); short protein forms R847W.
Identifiers: ClinVar variation 1476554 (VCV001476554.8), dbSNP rs751467649, ClinGen allele CA5043889.

ClinVar aggregate classification (germline): Uncertain significance (1 of 4 stars; one submission).

Allele frequency attached by ClinVar (database versions not stated): gnomAD exomes 0.00001; ExAC 0.00002; TOPMed 0.00002.
gnomAD v4.1: 20 of 1,613,858 alleles (0.0012%); highest among the groups gnomAD compares: East Asian, 0.0022%; no homozygotes.

Submission:

Labcorp Genetics (formerly Invitae), Labcorp
Classification: Uncertain significance. Last evaluated: 2021-05-27. Review status: criteria provided, single submitter. Criteria: Invitae Variant Classification Sherloc (09022015). Collection method: clinical testing. Allele origin: germline.
Comment: This sequence change replaces arginine with tryptophan at codon 847 of the RUSC2 protein (p.Arg847Trp). The arginine residue is moderately conserved and there is a moderate physicochemical difference between arginine and tryptophan. This variant is present in population databases (rs751467649, ExAC 0.003%). This variant has not been reported in the literature in individuals with RUSC2-related conditions. Algorithms developed to predict the effect of missense changes on protein structure and function are either unavailable or do not agree on the potential impact of this missense change (SIFT: "Deleterious"; PolyPhen-2: "Probably Damaging"; Align-GVGD: "Class C0"). In summary, the available evidence is currently insufficient to determine the role of this variant in disease. Therefore, it has been classified as a Variant of Uncertain Significance.